The following is an entry in ClinVar:

ClinVar aggregate classification (germline): Uncertain significance (1 of 4 stars; one submission).

Conditions:
Primary ciliary dyskinesia 2. Also called: CILIARY DYSKINESIA, PRIMARY, 2, WITH OR WITHOUT SITUS INVERSUS. Identifiers: Orphanet 244, MedGen C1847554, MONDO:0011718, OMIM 606763.

Submission:

Johns Hopkins Genomics, Johns Hopkins University
Classification: Uncertain significance for Primary ciliary dyskinesia 2. Last evaluated: 2024-09-30. Review status: criteria provided, single submitter. Criteria: ACMG Guidelines, 2015. Collection method: clinical testing. Allele origin: germline.
Comment: This DNAH1 missense variant is absent from a large population dataset. It has not been reported in ClinVar nor the literature, to our knowledge. Two bioinformatic tools queried predict that this substitution would be damaging and the threonine residue at this position is evolutionarily conserved across most species assessed. We consider the clinical significance of c.4703C>T in DNAH1 to be uncertain at this time.

NM_015512.5(DNAH1):c.4703C>T (p.Thr1568Ile)

Gene: DNAH1 (dynein axonemal heavy chain 1; plus strand). Cytogenetic location: 3p21.1.
Variant type: single nucleotide variant.
Coding change: c.4703C>T on transcript NM_015512.5 (MANE Select); coding-DNA position 4703, C replaced by T.
Protein change: p.Thr1568Ile; replaces threonine 1568 with isoleucine.
Molecular consequence: missense variant.
Genome position (GRCh38, 1-based): chr3:52,361,181, C>T. VCF-style: chr3-52361181-C-T. GRCh37 (hg19) VCF-style: chr3-52395197-C-T.
Other names: short protein forms T1568I.
Identifiers: ClinVar variation 4280129 (VCV004280129.1).
Genomic context (GRCh38, chr3:52,361,181, plus strand): 5'-CAGGCCATGTGCGGCCCGAGCCCACCTCCTCTGTCTCCTGCAGGTGCTACCTGACACTGA[C>T]CGGAGCTCTGCACCTCAAGTTTGGGGGTGCCCCAGCTGGCCCAGCTGGCACAGGCAAAAC-3'
Protein context (NP_056327.4, residues 1558-1578): PLTDRCYLTL[Thr1568Ile]GALHLKFGGA